The following is an entry in ClinVar:

NM_024422.6(DSC2):c.1844C>A (p.Ser615Tyr)

Gene: DSC2 (desmocollin 2; minus strand). Cytogenetic location: 18q12.1.
Variant type: single nucleotide variant.
Coding change: c.1844C>A on transcript NM_024422.6 (MANE Select); coding-DNA position 1844, C replaced by A.
Protein change: p.Ser615Tyr; replaces serine 615 with tyrosine.
Molecular consequence: missense variant.
Genome position (GRCh38, 1-based): chr18:31,074,727, G>T on the plus strand (C>A on the coding strand, the complement: DSC2 is on the minus strand). VCF-style: chr18-31074727-G-T. GRCh37 (hg19) VCF-style: chr18-28654693-G-T.
Other names: c.1844C>A, p.Ser615Tyr (NM_004949.5); short protein forms S615Y.
Identifiers: ClinVar variation 579571 (VCV000579571.20), dbSNP rs756304120, ClinGen allele CA297690748.

ClinVar aggregate classification (germline): Uncertain significance. Review status: criteria provided, multiple submitters, no conflicts (2 of 4 stars). 8 submissions from 8 submitters: Uncertain significance (8). Last evaluated 2026-03-11.

Conditions:
Cardiovascular phenotype. Identifiers: MedGen CN230736.
Cardiomyopathy (CMYO). Also called: Cardiomyopathies. Identifiers: Orphanet 167848, MedGen C0878544, MONDO:0004994, HP:0001638. Inheritance: Various modes of inheritance.
Familial isolated arrhythmogenic right ventricular dysplasia. Identifiers: Orphanet 217656, MedGen C4274968, MONDO:0016342.
Arrhythmogenic right ventricular dysplasia 11. Also called: Arrhythmogenic Right Ventricular Dysplasia/Cardiomyopathy11; ARRHYTHMOGENIC RIGHT VENTRICULAR DYSPLASIA, FAMILIAL, 11; Arrhythmogenic right ventricular dysplasia 11 with mild palmoplantar keratoderma and woolly hair. Identifiers: MedGen C1864850, MONDO:0012506, OMIM 610476.

Allele frequency attached by ClinVar (database versions not stated): gnomAD exomes below 0.00001 and 0.00001; gnomAD 0.00009 and 0.00010; TOPMed 0.00015.
gnomAD v4.1: 23 of 1,613,688 alleles (0.0014%); highest among the groups gnomAD compares: Admixed American, 0.025%; no homozygotes.

Submissions (8):

Dasa
Classification: Uncertain significance. Last evaluated: 2026-03-11. Review status: criteria provided, single submitter. Criteria: DASA Assertion Criteria. Collection method: clinical testing. Allele origin: germline.
Comment: NM_024422.6(DSC2):c.1844C>A (p.Ser615Tyr) is a missense variant that results in the substitution of serine with tyrosine. This variant is rare in population databases. Computational prediction algorithms are consistent with a benign effect. The currently available literature and clinical evidence are not sufficient to establish a definitive association between this variant and the reported condition. Therefore, this variant is classified as a variant of uncertain significance.

Labcorp Genetics (formerly Invitae), Labcorp
Classification: Uncertain significance for Arrhythmogenic right ventricular dysplasia 11. Last evaluated: 2025-01-20. Review status: criteria provided, single submitter. Criteria: Invitae Variant Classification Sherloc (09022015). Collection method: clinical testing. Allele origin: germline.
Comment: This sequence change replaces serine, which is neutral and polar, with tyrosine, which is neutral and polar, at codon 615 of the DSC2 protein (p.Ser615Tyr). This variant is present in population databases (rs756304120, gnomAD 0.006%). This variant has not been reported in the literature in individuals affected with DSC2-related conditions. ClinVar contains an entry for this variant (Variation ID: 579571). Invitae Evidence Modeling of protein sequence and biophysical properties (such as structural, functional, and spatial information, amino acid conservation, physicochemical variation, residue mobility, and thermodynamic stability) indicates that this missense variant is not expected to disrupt DSC2 protein function with a negative predictive value of 80%. In summary, the available evidence is currently insufficient to determine the role of this variant in disease. Therefore, it has been classified as a Variant of Uncertain Significance.

Women's Health and Genetics/Laboratory Corporation of America, LabCorp
Classification: Uncertain significance. Last evaluated: 2024-11-29. Review status: criteria provided, single submitter. Criteria: LabCorp Variant Classification Summary - May 2015. Collection method: clinical testing. Allele origin: germline.
Comment: Variant summary: DSC2 c.1844C>A (p.Ser615Tyr) results in a non-conservative amino acid change located in the Cadherins domain (IPR002126) of the encoded protein sequence. Three of five in-silico tools predict a benign effect of the variant on protein function. The variant allele was found at a frequency of 8e-06 in 251132 control chromosomes (gnomAD). The available data on variant occurrences in the general population are insufficient to allow any conclusion about variant significance. To our knowledge, no occurrence of c.1844C>A in individuals affected with Arrhythmogenic Right Ventricular Dysplasia/Cardiomyopathy and no experimental evidence demonstrating its impact on protein function have been reported. ClinVar contains an entry for this variant (Variation ID: 579571). Based on the evidence outlined above, the variant was classified as uncertain significance.

All of Us Research Program, National Institutes of Health
Classification: Uncertain significance for Familial isolated arrhythmogenic right ventricular dysplasia. Last evaluated: 2024-09-23. Review status: criteria provided, single submitter. Criteria: ACMG Guidelines, 2015. Collection method: clinical testing. Allele origin: germline. Inheritance: Autosomal dominant inheritance. Observed: 15 variant alleles, 15 heterozygotes.
Comment: Variant of Uncertain Significance due to insufficient evidence: This missense variant is located in the extracellular cadherin domain 5 of the DSC2 protein. Computational prediction tools and conservation analyses are inconclusive regarding the impact of this variant on the protein function. Computational splicing tools suggest that this variant may not impact RNA splicing. To our knowledge, functional assays have not been performed for this variant nor has this variant been reported in individuals affected with cardiovascular disorders in the literature. This variant has been identified in 3/276846 chromosomes in the general population by the Genome Aggregation Database (gnomAD). Available evidence is insufficient to determine the role of this variant in disease conclusively.

This study involves interpretation of variants in research participants for the purpose of population health screening. Participant phenotype was not available at the time of variant classification. Additional details can be found in publication PMID: 35346344, PMCID: PMC8962531

Ambry Genetics
Classification: Uncertain significance for Cardiovascular phenotype. Last evaluated: 2024-05-23. Review status: criteria provided, single submitter. Criteria: Ambry Variant Classification Scheme 2023. Collection method: clinical testing. Allele origin: germline.

GeneDx
Classification: Uncertain significance. Last evaluated: 2024-03-18. Review status: criteria provided, single submitter. Criteria: GeneDx Variant Classification Process June 2021. Collection method: clinical testing. Allele origin: germline. Affected: yes.
Comment: Has not been previously published as pathogenic or benign to our knowledge; Not observed at significant frequency in large population cohorts (gnomAD); In silico analysis supports that this missense variant has a deleterious effect on protein structure/function

Color Diagnostics, LLC DBA Color Health
Classification: Uncertain significance for Cardiomyopathy. Last evaluated: 2024-03-06. Review status: criteria provided, single submitter. Criteria: ACMG Guidelines, 2015. Collection method: clinical testing. Allele origin: germline.
Comment: This missense variant replaces serine with tyrosine at codon 615 of the DSC2 protein. Computational prediction suggests that this variant may not impact protein structure and function (internally defined REVEL score threshold <= 0.5, PMID: 27666373). To our knowledge, functional studies have not been reported for this variant. This variant has not been reported in individuals affected with cardiovascular disorders in the literature. This variant has been identified in 3/282498 chromosomes in the general population by the Genome Aggregation Database (gnomAD). The available evidence is insufficient to determine the role of this variant in disease conclusively. Therefore, this variant is classified as a Variant of Uncertain Significance.

Fulgent Genetics
Classification: Uncertain significance for Arrhythmogenic right ventricular dysplasia 11. Last evaluated: 2021-07-26. Review status: criteria provided, single submitter. Criteria: ACMG Guidelines, 2015. Collection method: clinical testing. Allele origin: unknown.